The following is an entry in ClinVar:

ClinVar aggregate classification (germline): Uncertain significance. Review status: criteria provided, multiple submitters, no conflicts (2 of 4 stars). 2 submissions from 2 submitters: Uncertain significance (2). Last evaluated 2024-11-15.

Conditions:
PCNT-related disorder. Also called: PCNT-related condition.

Allele frequency attached by ClinVar (database versions not stated): ExAC 0.00003; gnomAD exomes 0.00003 and 0.00004; gnomAD 0.00004; TOPMed 0.00004.
gnomAD v4.1: 46 of 1,564,300 alleles (0.0029%); highest among the groups gnomAD compares: Admixed American, 0.011%; no homozygotes.

Submissions (2):

PreventionGenetics, part of Exact Sciences
Classification: Uncertain significance for PCNT-related condition. Last evaluated: 2024-11-15. Review status: criteria provided, single submitter. Criteria: ACMG Guidelines, 2015. Collection method: clinical testing. Allele origin: germline.
Comment: The PCNT c.5791C>T variant is predicted to result in the amino acid substitution p.Arg1931Cys. This variant has been reported in individuals with a developmental disorder (Table S1, Kaplanis et al. 2020. PubMed ID: 33057194; Table S3, Zhou et al. 2022. PubMed ID: 35982159). This variant is reported in 0.0071% of alleles in individuals of Latino descent in gnomAD. At this time, the clinical significance of this variant is uncertain due to the absence of conclusive functional and genetic evidence.

Labcorp Genetics (formerly Invitae), Labcorp
Classification: Uncertain significance. Last evaluated: 2022-10-17. Review status: criteria provided, single submitter. Criteria: Invitae Variant Classification Sherloc (09022015). Collection method: clinical testing. Allele origin: germline.
Comment: This sequence change replaces arginine, which is basic and polar, with cysteine, which is neutral and slightly polar, at codon 1931 of the PCNT protein (p.Arg1931Cys). This variant is present in population databases (rs771047395, gnomAD 0.007%). This variant has not been reported in the literature in individuals affected with PCNT-related conditions. ClinVar contains an entry for this variant (Variation ID: 1407698). Algorithms developed to predict the effect of missense changes on protein structure and function output the following: SIFT: "Deleterious"; PolyPhen-2: "Possibly Damaging"; Align-GVGD: "Class C0". The cysteine amino acid residue is found in multiple mammalian species, which suggests that this missense change does not adversely affect protein function. In summary, the available evidence is currently insufficient to determine the role of this variant in disease. Therefore, it has been classified as a Variant of Uncertain Significance.

NM_006031.6(PCNT):c.5791C>T (p.Arg1931Cys)

Gene: PCNT (pericentrin; plus strand). Cytogenetic location: 21q22.3.
Variant type: single nucleotide variant.
Coding change: c.5791C>T on transcript NM_006031.6 (MANE Select); coding-DNA position 5791, C replaced by T.
Protein change: p.Arg1931Cys; replaces arginine 1931 with cysteine.
Molecular consequence: missense variant.
Genome position (GRCh38, 1-based): chr21:46,411,864, C>T. VCF-style: chr21-46411864-C-T. GRCh37 (hg19) VCF-style: chr21-47831778-C-T.
Other names: c.5437C>T, p.Arg1813Cys (NM_001315529.2); c.5791C>T (NM_006031.5); short protein forms R1931C, R1813C.
Identifiers: ClinVar variation 1407698 (VCV001407698.4), dbSNP rs771047395, ClinGen allele CA10080090.
Genomic context (GRCh38, chr21:46,411,864, plus strand): 5'-GCAGCCGGGGCGGCGCCTCCCGAGCTGCAGTGGCTCCGAGCGCAGTGTGCCCGCCTCAGC[C>T]GCCAGCTGCAGGTGCTGCACCAGCGGTTCCTGAGGTGCCAGGTGGAGCTGGACAGGCGGC-3'
Protein context (NP_006022.3, residues 1921-1941): WLRAQCARLS[Arg1931Cys]QLQVLHQRFL